The following is an entry in ClinVar:

ClinVar aggregate classification (germline): Uncertain significance (1 of 4 stars; one submission).

Conditions:
EAST syndrome (SESAMES). Also called: SEIZURES, SENSORINEURAL DEAFNESS, ATAXIA, IMPAIRED INTELLECTUAL DEVELOPMENT, AND ELECTROLYTE IMBALANCE. Identifiers: Orphanet 199343, MedGen C2748572, MONDO:0013005, OMIM 612780.

Allele frequency attached by ClinVar (database versions not stated): gnomAD 0.00001.
gnomAD v4.1: 1 of 1,613,952 alleles (0.000062%); highest among the groups gnomAD compares: African/African-American, 0.0013%; no homozygotes.

Submission:

Labcorp Genetics (formerly Invitae), Labcorp
Classification: Uncertain significance for EAST syndrome. Last evaluated: 2022-06-14. Review status: criteria provided, single submitter. Criteria: Invitae Variant Classification Sherloc (09022015). Collection method: clinical testing. Allele origin: germline.
Comment: This sequence change replaces proline, which is neutral and non-polar, with serine, which is neutral and polar, at codon 23 of the KCNJ10 protein (p.Pro23Ser). This variant is not present in population databases (gnomAD no frequency). This variant has not been reported in the literature in individuals affected with KCNJ10-related conditions. Algorithms developed to predict the effect of missense changes on protein structure and function (SIFT, PolyPhen-2, Align-GVGD) all suggest that this variant is likely to be tolerated. In summary, the available evidence is currently insufficient to determine the role of this variant in disease. Therefore, it has been classified as a Variant of Uncertain Significance.

NM_002241.5(KCNJ10):c.67C>T (p.Pro23Ser)

Gene: KCNJ10 (potassium inwardly rectifying channel subfamily J member 10; minus strand). Cytogenetic location: 1q23.2.
Variant type: single nucleotide variant.
Coding change: c.67C>T on transcript NM_002241.5 (MANE Select); coding-DNA position 67, C replaced by T.
Protein change: p.Pro23Ser; replaces proline 23 with serine.
Molecular consequence: missense variant.
Genome position (GRCh38, 1-based): chr1:160,042,466, G>A on the plus strand (C>T on the coding strand, the complement: KCNJ10 is on the minus strand). VCF-style: chr1-160042466-G-A. GRCh37 (hg19) VCF-style: chr1-160012256-G-A.
Other names: short protein forms P23S.
Identifiers: ClinVar variation 2134460 (VCV002134460.1), dbSNP rs1648632903, ClinGen allele CA343230611.